The following is an entry in ClinVar:

ClinVar aggregate classification (germline): Uncertain significance (1 of 4 stars; one submission).

gnomAD v4.1: 2 of 1,520,174 alleles (0.00013%); highest among the groups gnomAD compares: South Asian, 0.0024%; no homozygotes.

Submission:

Ambry Genetics
Classification: Uncertain significance. Last evaluated: 2025-08-08. Review status: criteria provided, single submitter. Criteria: Ambry Variant Classification Scheme 2023. Collection method: clinical testing. Allele origin: germline.
Comment: The p.P151Q variant (also known as c.452C>A), located in coding exon 1 of the PALLD gene, results from a C to A substitution at nucleotide position 452. The proline at codon 151 is replaced by glutamine, an amino acid with similar properties. This amino acid position is conserved. In addition, this alteration is predicted to be tolerated by in silico analysis. Based on the available evidence, the clinical significance of this variant remains unclear.

NM_001166108.2(PALLD):c.1965-12579C>A

Gene: PALLD (palladin, cytoskeletal associated protein; plus strand). Cytogenetic location: 4q32.3.
Variant type: single nucleotide variant.
Coding change: c.1965-12579C>A on transcript NM_001166108.2 (MANE Select); 12579 bases into the intron before coding-DNA position 1965, C replaced by A.
Molecular consequence: intron variant. On other transcripts: missense variant (1).
Genome position (GRCh38, 1-based): chr4:168,878,343, C>A. VCF-style: chr4-168878343-C-A. GRCh37 (hg19) VCF-style: chr4-169799494-C-A.
Other names: c.452C>A, p.Pro151Gln (NM_001166110.2); c.1965-12579C>A (NM_016081.4); c.819-12579C>A (NM_001166109.2); c.-157-12579C>A (NM_001367570.1, NM_001367568.1, NM_001367567.1 and 1 more transcripts); short protein forms P151Q.
Identifiers: ClinVar variation 4130432 (VCV004130432.1).